The following is an entry in ClinVar:

NM_005359.6(SMAD4):c.1529G>A (p.Gly510Glu)

Gene: SMAD4 (SMAD family member 4; plus strand). Cytogenetic location: 18q21.2.
Variant type: single nucleotide variant.
Coding change: c.1529G>A on transcript NM_005359.6 (MANE Select); coding-DNA position 1529, G replaced by A.
Protein change: p.Gly510Glu; replaces glycine 510 with glutamic acid.
Molecular consequence: missense variant.
Genome position (GRCh38, 1-based): chr18:51,078,337, G>A. VCF-style: chr18-51078337-G-A. GRCh37 (hg19) VCF-style: chr18-48604707-G-A.
Other names: short protein forms G510E.
Identifiers: ClinVar variation 1003055 (VCV001003055.9), dbSNP rs377767371, ClinGen allele CA402465964.
Genomic context (GRCh38, chr18:51,078,337, plus strand): 5'-TTGGTGTTGATGACCTTCGTCGCTTATGCATACTCAGGATGAGTTTTGTGAAAGGCTGGG[G>A]ACCGGATTACCCAAGACAGAGCATCAAAGAAACACCTTGCTGGATTGAAATTCACTTACA-3'
Protein context (NP_005350.1, residues 500-520): ILRMSFVKGW[Gly510Glu]PDYPRQSIKE

ClinVar aggregate classification (germline): Uncertain significance. Review status: criteria provided, multiple submitters, no conflicts (2 of 4 stars). 2 submissions from 2 submitters: Uncertain significance (2). Last evaluated 2024-09-11.

Conditions:
Juvenile polyposis syndrome (JPS). Identifiers: Orphanet 2929, MedGen C0345893, MONDO:0017380, OMIM 174900.
Hereditary cancer-predisposing syndrome. Also called: Hereditary neoplastic syndrome; Neoplastic Syndromes, Hereditary; Tumor predisposition; Hereditary Cancer Syndrome. Identifiers: Orphanet 140162, MedGen C0027672, MeSH D009386, MONDO:0015356.

Submissions (2):

Hereditary Cancer Laboratory, Hospital Universitario 12 de Octubre
Classification: Uncertain significance for Hereditary cancer-predisposing syndrome. Last evaluated: 2024-09-11. Review status: criteria provided, single submitter. Criteria: ACMG Guidelines, 2015. Collection method: clinical testing. Allele origin: germline.
Comment: PM2+PP3

Labcorp Genetics (formerly Invitae), Labcorp
Classification: Uncertain significance for Juvenile polyposis syndrome. Last evaluated: 2020-07-07. Review status: criteria provided, single submitter. Criteria: Invitae Variant Classification Sherloc (09022015). Collection method: clinical testing. Allele origin: germline.
Comment: In summary, the available evidence is currently insufficient to determine the role of this variant in disease. Therefore, it has been classified as a Variant of Uncertain Significance. Algorithms developed to predict the effect of missense changes on protein structure and function (SIFT, PolyPhen-2, Align-GVGD) all suggest that this variant is likely to be disruptive, but these predictions have not been confirmed by published functional studies and their clinical significance is uncertain. This variant has not been reported in the literature in individuals with SMAD4-related conditions. This variant is not present in population databases (ExAC no frequency). This sequence change replaces glycine with glutamic acid at codon 510 of the SMAD4 protein (p.Gly510Glu). The glycine residue is highly conserved and there is a moderate physicochemical difference between glycine and glutamic acid.